The following is an entry in ClinVar:

NM_000718.4(CACNA1B):c.6269C>T (p.Pro2090Leu)

Gene: CACNA1B (calcium voltage-gated channel subunit alpha1 B; plus strand). Cytogenetic location: 9q34.3.
Variant type: single nucleotide variant.
Coding change: c.6269C>T on transcript NM_000718.4 (MANE Select); coding-DNA position 6269, C replaced by T.
Protein change: p.Pro2090Leu; replaces proline 2090 with leucine.
Molecular consequence: missense variant.
Genome position (GRCh38, 1-based): chr9:138,120,661, C>T. VCF-style: chr9-138120661-C-T. GRCh37 (hg19) VCF-style: chr9-141015113-C-T.
Other names: c.6269C>T, p.Pro2090Leu (NM_001243812.2); short protein forms P2090L.
Identifiers: ClinVar variation 1995218 (VCV001995218.5), dbSNP rs1962055210, ClinGen allele CA375822749.
Genomic context (GRCh38, chr9:138,120,661, plus strand): 5'-CCGTGCTAACTTCTTCTCTTCCCTGGCCAGCACCAAGCAGTGCTGTGGGGCCGGGGCTGC[C>T]CCCGGGAGAGGGGCCTACAGGCTGCCGGCGGGAACGAGAGCGCCGGCAGGAGCGGGGCCG-3'
Protein context (NP_000709.1, residues 2080-2100): APSSAVGPGL[Pro2090Leu]PGEGPTGCRR

ClinVar aggregate classification (germline): Uncertain significance. Review status: criteria provided, multiple submitters, no conflicts (2 of 4 stars). 2 submissions from 2 submitters: Uncertain significance (2). Last evaluated 2024-12-18.

Conditions:
Neurodevelopmental disorder with seizures and nonepileptic hyperkinetic movements. Identifiers: MedGen C5193128, MONDO:0032784, OMIM 618497.

Submissions (2):

Genomic Medicine Center of Excellence, King Faisal Specialist Hospital and Research Centre
Classification: Uncertain significance for Neurodevelopmental disorder with seizures and nonepileptic hyperkinetic movements. Last evaluated: 2024-12-18. Review status: criteria provided, single submitter. Criteria: ACMG Guidelines, 2015. Collection method: clinical testing. Allele origin: germline.

Labcorp Genetics (formerly Invitae), Labcorp
Classification: Uncertain significance. Last evaluated: 2022-05-16. Review status: criteria provided, single submitter. Criteria: Invitae Variant Classification Sherloc (09022015). Collection method: clinical testing. Allele origin: germline.
Comment: This sequence change replaces proline, which is neutral and non-polar, with leucine, which is neutral and non-polar, at codon 2090 of the CACNA1B protein (p.Pro2090Leu). This variant is not present in population databases (gnomAD no frequency). This variant has not been reported in the literature in individuals affected with CACNA1B-related conditions. Advanced modeling of protein sequence and biophysical properties (such as structural, functional, and spatial information, amino acid conservation, physicochemical variation, residue mobility, and thermodynamic stability) performed at Invitae indicates that this missense variant is not expected to disrupt CACNA1B protein function. In summary, the available evidence is currently insufficient to determine the role of this variant in disease. Therefore, it has been classified as a Variant of Uncertain Significance.